The following is an entry in ClinVar:

ClinVar aggregate classification (germline): Uncertain significance (1 of 4 stars; one submission).

Conditions:
Familial infantile myasthenia (CMS6). Also called: MYASTHENIC SYNDROME, PRESYNAPTIC, CONGENITAL, ASSOCIATED WITH EPISODIC APNEA; MYASTHENIC SYNDROME, CONGENITAL, 6, PRESYNAPTIC; Congenital myasthenic syndrome type 6. Identifiers: Orphanet 590, MedGen C0393929, MONDO:0009689, OMIM 254210.

Submission:

Labcorp Genetics (formerly Invitae), Labcorp
Classification: Uncertain significance for Familial infantile myasthenia. Last evaluated: 2021-10-11. Review status: criteria provided, single submitter. Criteria: Invitae Variant Classification Sherloc (09022015). Collection method: clinical testing. Allele origin: germline.
Comment: This sequence change replaces serine with tyrosine at codon 497 of the CHAT protein (p.Ser497Tyr). The serine residue is moderately conserved and there is a large physicochemical difference between serine and tyrosine. This variant is not present in population databases (ExAC no frequency). This variant has not been reported in the literature in individuals affected with CHAT-related conditions. Advanced modeling of protein sequence and biophysical properties (such as structural, functional, and spatial information, amino acid conservation, physicochemical variation, residue mobility, and thermodynamic stability) performed at Invitae indicates that this missense variant is not expected to disrupt CHAT protein function. In summary, the available evidence is currently insufficient to determine the role of this variant in disease. Therefore, it has been classified as a Variant of Uncertain Significance.

NM_020549.5(CHAT):c.1490C>A (p.Ser497Tyr)

Gene: CHAT (choline O-acetyltransferase; plus strand). Cytogenetic location: 10q11.23.
Variant type: single nucleotide variant.
Coding change: c.1490C>A on transcript NM_020549.5 (MANE Select); coding-DNA position 1490, C replaced by A.
Protein change: p.Ser497Tyr; replaces serine 497 with tyrosine.
Molecular consequence: missense variant.
Genome position (GRCh38, 1-based): chr10:49,649,615, C>A. VCF-style: chr10-49649615-C-A. GRCh37 (hg19) VCF-style: chr10-50857661-C-A.
Other names: c.1136C>A, p.Ser379Tyr (NM_001142929.2, NM_001142934.2, NM_020984.4 and 2 more transcripts); c.1244C>A, p.Ser415Tyr (NM_001142933.2); short protein forms S497Y, S379Y, S415Y.
Identifiers: ClinVar variation 1385378 (VCV001385378.3), dbSNP rs141878259, ClinGen allele CA376744017.
Genomic context (GRCh38, chr10:49,649,615, plus strand): 5'-TCCCCGCCCCCCGGAGGCTGCGGTGGAAATGCTCCCCGGAAATTCAAGGCCACTTAGCCT[C>A]CTCGGCAGAAAAACTTCAACGGTAAGGATAACCGAAGTCTCCTTTGAGGGGTCCCCTAGG-3'
Protein context (NP_065574.4, residues 487-507): CSPEIQGHLA[Ser497Tyr]SAEKLQRIVK